The following is an entry in ClinVar:

ClinVar aggregate classification (germline): Uncertain significance (1 of 4 stars; one submission).

Conditions:
Mucopolysaccharidosis, MPS-III-D (MPS3D). Also called: N-ACETYLGLUCOSAMINE-6-SULFATASE DEFICIENCY; SANFILIPPO SYNDROME D; MPS III D; Mucopoly-saccharidosis type 3D; N-acetylglucosamine-6-sulfate sulfatase deficiency; MPS 3D. Identifiers: Orphanet 581, Orphanet 79272, MedGen C0086650, MONDO:0009658, OMIM 252940.

Allele frequency attached by ClinVar (database versions not stated): gnomAD exomes below 0.00001.
gnomAD v4.1: 1 of 1,093,452 alleles (0.000091%); highest among the groups gnomAD compares: East Asian, 0.0023%; no homozygotes.

Submission:

Labcorp Genetics (formerly Invitae), Labcorp
Classification: Uncertain significance for Mucopolysaccharidosis, MPS-III-D. Last evaluated: 2022-02-28. Review status: criteria provided, single submitter. Criteria: Invitae Variant Classification Sherloc (09022015). Collection method: clinical testing. Allele origin: germline.
Comment: This sequence change falls in intron 8 of the GNS gene. It does not directly change the encoded amino acid sequence of the GNS protein. This variant is not present in population databases (gnomAD no frequency). This variant has not been reported in the literature in individuals affected with GNS-related conditions. Algorithms developed to predict the effect of sequence changes on RNA splicing suggest that this variant may disrupt the consensus splice site. In summary, the available evidence is currently insufficient to determine the role of this variant in disease. Therefore, it has been classified as a Variant of Uncertain Significance.

NM_002076.4(GNS):c.994+20A>G

Gene: GNS (glucosamine (N-acetyl)-6-sulfatase; minus strand). Cytogenetic location: 12q14.3.
Variant type: single nucleotide variant.
Coding change: c.994+20A>G on transcript NM_002076.4 (MANE Select); 20 bases into the intron after coding-DNA position 994, A replaced by G.
Molecular consequence: intron variant.
Genome position (GRCh38, 1-based): chr12:64,739,361, T>C on the plus strand (A>G on the coding strand, the complement: GNS is on the minus strand). VCF-style: chr12-64739361-T-C. GRCh37 (hg19) VCF-style: chr12-65133141-T-C.
Identifiers: ClinVar variation 2104333 (VCV002104333.1), dbSNP rs2539519751, ClinGen allele CA2580086635.